The following is an entry in ClinVar:

NM_018906.3(PCDHA3):c.294G>A (p.Arg98=)

Genes: PCDHA1 (protocadherin alpha 1; plus strand), PCDHA2 (protocadherin alpha 2; plus strand), PCDHA3 (protocadherin alpha 3; plus strand), PCDHA@ (protocadherin alpha cluster, complex locus; plus strand). Cytogenetic location: 5q31.3.
Variant type: single nucleotide variant.
Coding change: c.294G>A on transcript NM_018906.3 (MANE Select); coding-DNA position 294, G replaced by A.
Protein change: p.Arg98=; no amino-acid change (arginine 98 retained).
Molecular consequence: synonymous variant. On other transcripts: intron variant (4).
Genome position (GRCh38, 1-based): chr5:140,801,491, G>A. VCF-style: chr5-140801491-G-A. GRCh37 (hg19) VCF-style: chr5-140181076-G-A.
Other names: c.1602+13599G>A (NM_031411.3); c.2388+4139G>A (NM_018905.3); c.2389-3569G>A (NM_031496.2); c.294G>A, p.Arg98= (NM_031497.2); c.2394+12807G>A (NM_018900.4).
Identifiers: ClinVar variation 3039219 (VCV003039219.2), dbSNP rs138150756, ClinGen allele CA3446237.
Genomic context (GRCh38, chr5:140,801,491, plus strand): 5'-TCTGCAGAATGGCATTTTGTTTGTGAATTCTCGGATAGACCGCGAGGAACTGTGCGGGCG[G>A]AGCGCGGAGTGCAGCATCCACCTGGAGGTGATCGTGGACAGGCCGCTGCAGGTTTTCCAT-3'
Protein context (NP_061729.1, residues 88-108): SRIDREELCG[Arg98=]SAECSIHLEV

ClinVar aggregate classification (germline): Likely benign (0 of 4 stars; one submission).

Conditions:
PCDHA3-related disorder. Also called: PCDHA3-related condition.

Allele frequency attached by ClinVar (database versions not stated): ExAC 0.00073; ESP Exome Variant Server 0.00115; 1000 Genomes Project 0.00060; TOPMed 0.00059; gnomAD 0.00080; gnomAD exomes 0.00119; 1000 Genomes Project 30x 0.00047.
gnomAD v4.1: 1,845 of 1,614,176 alleles (0.11%); highest among the groups gnomAD compares: Non-Finnish European, 0.14%; 3 homozygotes.

Submission:

PreventionGenetics, part of Exact Sciences
Classification: Likely benign for PCDHA3-related condition. Last evaluated: 2019-03-07. Review status: no assertion criteria provided. Collection method: clinical testing. Allele origin: germline.
Comment: This variant is classified as likely benign based on ACMG/AMP sequence variant interpretation guidelines (Richards et al. 2015 PMID: 25741868, with internal and published modifications).